The following is an entry in ClinVar:

ClinVar aggregate classification (germline): Benign. Review status: criteria provided, single submitter (1 of 4 stars). 2 submissions from 2 submitters: Benign (1). 1 of the submissions does not count toward it. Last evaluated 2023-08-17.

Conditions:
PLXNA2-related disorder. Also called: PLXNA2-related condition.

Allele frequency attached by ClinVar (database versions not stated): TOPMed 0.00068; ExAC 0.00024; ESP Exome Variant Server 0.00085; 1000 Genomes Project 30x 0.00094; gnomAD exomes 0.00018 and 0.00007; gnomAD 0.00068 and 0.00061; 1000 Genomes Project 0.00080.
gnomAD v4.1: 201 of 1,612,390 alleles (0.012%); highest among the groups gnomAD compares: African/African-American, 0.2%; no homozygotes.

Submissions (2):

Labcorp Genetics (formerly Invitae), Labcorp
Classification: Benign. Last evaluated: 2023-08-17. Review status: criteria provided, single submitter. Criteria: Invitae Variant Classification Sherloc (09022015). Collection method: clinical testing. Allele origin: germline.

PreventionGenetics, part of Exact Sciences
Classification: Likely benign for PLXNA2-related condition. Last evaluated: 2021-05-21. Review status: no assertion criteria provided. Collection method: clinical testing. Allele origin: germline. Not counted in ClinVar's aggregate classification.
Comment: This variant is classified as likely benign based on ACMG/AMP sequence variant interpretation guidelines (Richards et al. 2015 PMID: 25741868, with internal and published modifications).

NM_025179.4(PLXNA2):c.4779G>A (p.Ser1593=)

Gene: PLXNA2 (plexin A2; minus strand). Cytogenetic location: 1q32.2.
Variant type: single nucleotide variant.
Coding change: c.4779G>A on transcript NM_025179.4 (MANE Select); coding-DNA position 4779, G replaced by A.
Protein change: p.Ser1593=; no amino-acid change (serine 1593 retained).
Molecular consequence: synonymous variant.
Genome position (GRCh38, 1-based): chr1:208,034,578, C>T on the plus strand (G>A on the coding strand, the complement: PLXNA2 is on the minus strand). VCF-style: chr1-208034578-C-T. GRCh37 (hg19) VCF-style: chr1-208207923-C-T.
Identifiers: ClinVar variation 720092 (VCV000720092.10), dbSNP rs141018338, ClinGen allele CA1372760.